The following is an entry in ClinVar:

ClinVar aggregate classification (germline): Uncertain significance (1 of 4 stars; one submission).

gnomAD v4.1: 1 of 1,612,304 alleles (0.000062%); highest among the groups gnomAD compares: African/African-American, 0.0013%; no homozygotes.

Submission:

Labcorp Genetics (formerly Invitae), Labcorp
Classification: Uncertain significance. Last evaluated: 2025-10-08. Review status: criteria provided, single submitter. Criteria: Invitae Variant Classification Sherloc (09022015). Collection method: clinical testing. Allele origin: germline.
Comment: This sequence change falls in intron 20 of the TNNI3K gene. It does not directly change the encoded amino acid sequence of the TNNI3K protein. It affects a nucleotide within the consensus splice site. This variant is present in population databases (rs753433366, gnomAD 0.008%). This variant has not been reported in the literature in individuals affected with TNNI3K-related conditions. Variants that disrupt the consensus splice site are a relatively common cause of aberrant splicing (PMID: 17576681, 9536098). Algorithms developed to predict the effect of sequence changes on RNA splicing suggest that this variant is not likely to affect RNA splicing. In summary, the available evidence is currently insufficient to determine the role of this variant in disease. Therefore, it has been classified as a Variant of Uncertain Significance.

Literature cited by the submitters: PubMed 17576681; PubMed 9536098.

NM_015978.3(TNNI3K):c.2011+5G>A

Genes: FPGT-TNNI3K (FPGT-TNNI3K readthrough; plus strand), TNNI3K (TNNI3 interacting kinase; plus strand). Cytogenetic location: 1p31.1.
Variant type: single nucleotide variant.
Coding change: c.2011+5G>A on transcript NM_015978.3 (MANE Select); 5 bases into the intron after coding-DNA position 2011, G replaced by A.
Molecular consequence: intron variant.
Genome position (GRCh38, 1-based): chr1:74,439,627, G>A. VCF-style: chr1-74439627-G-A. GRCh37 (hg19) VCF-style: chr1-74905311-G-A.
Other names: c.2314+5G>A (NM_001112808.3, NM_001199327.2).
Identifiers: ClinVar variation 4708287 (VCV004708287.1).
Genomic context (GRCh38, chr1:74,439,627, plus strand): 5'-TCTGTGTCTGTGGGAAATTCTCACTGGCGAAATTCCATTCGCTCATCTCAAGCCAGGTAA[G>A]ACACACTGCAATTGAAGTTTTCCTGTTTTACAGAGTTCACTGGATTTTTATAACTTCAAG-3'